The following is an entry in ClinVar:

ClinVar aggregate classification (germline): Uncertain significance (1 of 4 stars; one submission).

Submission:

Labcorp Genetics (formerly Invitae), Labcorp
Classification: Uncertain significance. Last evaluated: 2024-06-03. Review status: criteria provided, single submitter. Criteria: Invitae Variant Classification Sherloc (09022015). Collection method: clinical testing. Allele origin: germline.
Comment: This sequence change replaces glycine, which is neutral and non-polar, with valine, which is neutral and non-polar, at codon 259 of the COL4A6 protein (p.Gly259Val). This variant is not present in population databases (gnomAD no frequency). This variant has not been reported in the literature in individuals affected with COL4A6-related conditions. ClinVar contains an entry for this variant (Variation ID: 2176936). Advanced modeling of protein sequence and biophysical properties (such as structural, functional, and spatial information, amino acid conservation, physicochemical variation, residue mobility, and thermodynamic stability) performed at Invitae indicates that this missense variant is expected to disrupt COL4A6 protein function with a positive predictive value of 80%. In summary, the available evidence is currently insufficient to determine the role of this variant in disease. Therefore, it has been classified as a Variant of Uncertain Significance.

NM_033641.4(COL4A6):c.773G>T (p.Gly258Val)

Gene: COL4A6 (collagen type IV alpha 6 chain; minus strand). Cytogenetic location: Xq22.3.
Variant type: single nucleotide variant.
Coding change: c.773G>T on transcript NM_033641.4 (MANE Select); coding-DNA position 773, G replaced by T.
Protein change: p.Gly258Val; replaces glycine 258 with valine.
Molecular consequence: missense variant.
Genome position (GRCh38, 1-based): chrX:108,204,327, C>A on the plus strand (G>T on the coding strand, the complement: COL4A6 is on the minus strand). VCF-style: chrX-108204327-C-A. GRCh37 (hg19) VCF-style: chrX-107447557-C-A.
Other names: c.773G>T, p.Gly258Val (NM_001287758.2, NM_001287759.2, NM_001287760.2); c.776G>T, p.Gly259Val (NM_001847.4); short protein forms G259V, G258V.
Identifiers: ClinVar variation 2176936 (VCV002176936.4), dbSNP rs2522261756, ClinGen allele CA413902833.